The following is an entry in ClinVar:

ClinVar aggregate classification (germline): Uncertain significance (1 of 4 stars; one submission).

Conditions:
Hereditary cancer-predisposing syndrome. Also called: Neoplastic Syndromes, Hereditary; Tumor predisposition; Hereditary Cancer Syndrome; Hereditary neoplastic syndrome. Identifiers: Orphanet 140162, MedGen C0027672, MeSH D009386, MONDO:0015356.

Submission:

Ambry Genetics
Classification: Uncertain significance for Hereditary cancer-predisposing syndrome. Last evaluated: 2025-11-11. Review status: criteria provided, single submitter. Criteria: Ambry Variant Classification Scheme 2023. Collection method: clinical testing. Allele origin: germline.
Comment: The p.D124Y variant (also known as c.370G>T), located in coding exon 2 of the PHOX2B gene, results from a G to T substitution at nucleotide position 370. The aspartic acid at codon 124 is replaced by tyrosine, an amino acid with highly dissimilar properties. This amino acid position is conserved. In addition, this alteration is predicted to be deleterious by in silico analysis. Based on the available evidence, the clinical significance of this variant remains unclear.

NM_003924.4(PHOX2B):c.370G>T (p.Asp124Tyr)

Gene: PHOX2B (paired like homeobox 2B; minus strand). Cytogenetic location: 4p13.
Variant type: single nucleotide variant.
Coding change: c.370G>T on transcript NM_003924.4 (MANE Select); coding-DNA position 370, G replaced by T.
Protein change: p.Asp124Tyr; replaces aspartic acid 124 with tyrosine.
Molecular consequence: missense variant.
Genome position (GRCh38, 1-based): chr4:41,747,408, C>A on the plus strand (G>T on the coding strand, the complement: PHOX2B is on the minus strand). VCF-style: chr4-41747408-C-A. GRCh37 (hg19) VCF-style: chr4-41749425-C-A.
Other names: short protein forms D124Y.
Identifiers: ClinVar variation 4666065 (VCV004666065.1).